The following is an entry in ClinVar:

NM_005461.5(MAFB):c.863C>T (p.Ala288Val)

Gene: MAFB (MAF bZIP transcription factor B; minus strand). Cytogenetic location: 20q12.
Variant type: single nucleotide variant.
Coding change: c.863C>T on transcript NM_005461.5 (MANE Select); coding-DNA position 863, C replaced by T.
Protein change: p.Ala288Val; replaces alanine 288 with valine.
Molecular consequence: missense variant.
Genome position (GRCh38, 1-based): chr20:40,687,988, G>A on the plus strand (C>T on the coding strand, the complement: MAFB is on the minus strand). VCF-style: chr20-40687988-G-A. GRCh37 (hg19) VCF-style: chr20-39316628-G-A.
Other names: short protein forms A288V.
Identifiers: ClinVar variation 2549852 (VCV002549852.6), dbSNP rs746015339, ClinGen allele CA9857744.

ClinVar aggregate classification (germline): Uncertain significance. Review status: criteria provided, multiple submitters, no conflicts (2 of 4 stars). 3 submissions from 3 submitters: Uncertain significance (3). Last evaluated 2025-09-28.

Conditions:
Inborn genetic diseases. Identifiers: MedGen C0950123, MeSH D030342.
Multicentric carpo-tarsal osteolysis with or without nephropathy. Also called: MULTICENTRIC CARPOTARSAL OSTEOLYSIS SYNDROME; MULTICENTRIC OSTEOLYSIS, AUTOSOMAL DOMINANT; Multicentric Carpotarsal Osteolysis with or without Nephropathy; Multicentric Osteolysis of Carpal Bones and Nephropathy; OSTEOLYSIS, HEREDITARY, OF CARPAL BONES WITH OR WITHOUT NEPHROPATHY; Carnevale Canun Mendoza syndrome. Identifiers: Orphanet 2774, MedGen C2674705, MONDO:0008152, OMIM 166300.
Duane retraction syndrome 3 with or without deafness (DURS3). Also called: DUANE RETRACTION SYNDROME 3; Duane syndrome type 3. Identifiers: Orphanet 233, MedGen C4310752, MONDO:0014880, OMIM 617041.

Allele frequency attached by ClinVar (database versions not stated): gnomAD 0.00001; gnomAD exomes 0.00001; TOPMed 0.00001; ExAC 0.00003.
gnomAD v4.1: 10 of 1,614,010 alleles (0.00062%); highest among the groups gnomAD compares: Admixed American, 0.017%; no homozygotes.

Submissions (3):

Labcorp Genetics (formerly Invitae), Labcorp
Classification: Uncertain significance. Last evaluated: 2025-09-28. Review status: criteria provided, single submitter. Criteria: Invitae Variant Classification Sherloc (09022015). Collection method: clinical testing. Allele origin: germline.
Comment: This sequence change replaces alanine, which is neutral and non-polar, with valine, which is neutral and non-polar, at codon 288 of the MAFB protein (p.Ala288Val). This variant is present in population databases (rs746015339, gnomAD 0.02%). This variant has not been reported in the literature in individuals affected with MAFB-related conditions. ClinVar contains an entry for this variant (Variation ID: 2549852). Invitae Evidence Modeling of protein sequence and biophysical properties (such as structural, functional, and spatial information, amino acid conservation, physicochemical variation, residue mobility, and thermodynamic stability) indicates that this missense variant is not expected to disrupt MAFB protein function with a negative predictive value of 95%. In summary, the available evidence is currently insufficient to determine the role of this variant in disease. Therefore, it has been classified as a Variant of Uncertain Significance.

Fulgent Genetics
Classification: Uncertain significance for Multicentric carpo-tarsal osteolysis with or without nephropathy; Duane retraction syndrome 3 with or without deafness. Last evaluated: 2024-04-19. Review status: criteria provided, single submitter. Criteria: ACMG Guidelines, 2015. Collection method: clinical testing. Allele origin: germline.

Ambry Genetics
Classification: Uncertain significance for Inborn genetic diseases. Last evaluated: 2023-05-28. Review status: criteria provided, single submitter. Criteria: Ambry Variant Classification Scheme 2023. Collection method: clinical testing. Allele origin: germline.